The following is an entry in ClinVar:

ClinVar aggregate classification (germline): Uncertain significance (1 of 4 stars; one submission).

Conditions:
Hereditary cancer-predisposing syndrome. Also called: Hereditary Cancer Syndrome; Hereditary neoplastic syndrome; Neoplastic Syndromes, Hereditary; Tumor predisposition. Identifiers: Orphanet 140162, MedGen C0027672, MeSH D009386, MONDO:0015356.

Submission:

Ambry Genetics
Classification: Uncertain significance for Hereditary cancer-predisposing syndrome. Last evaluated: 2026-06-16. Review status: criteria provided, single submitter. Criteria: Ambry Variant Classification Scheme 2023. Collection method: clinical testing. Allele origin: germline.
Comment: The p.Q294L variant (also known as c.881A>T), located in coding exon 7 of the SDHA gene, results from an A to T substitution at nucleotide position 881. The glutamine at codon 294 is replaced by leucine, an amino acid with dissimilar properties. This amino acid position is highly conserved in available vertebrate species. In addition, this alteration is predicted to be deleterious by in silico analysis. Based on the available evidence, the clinical significance of this variant remains unclear.

NM_004168.4(SDHA):c.881A>T (p.Gln294Leu)

Gene: SDHA (succinate dehydrogenase complex flavoprotein subunit A; plus strand). Cytogenetic location: 5p15.33.
Variant type: single nucleotide variant.
Coding change: c.881A>T on transcript NM_004168.4 (MANE Select); coding-DNA position 881, A replaced by T.
Protein change: p.Gln294Leu; replaces glutamine 294 with leucine.
Molecular consequence: missense variant.
Genome position (GRCh38, 1-based): chr5:230,986, A>T. VCF-style: chr5-230986-A-T. GRCh37 (hg19) VCF-style: chr5-231101-A-T.
Other names: c.737A>T, p.Gln246Leu (NM_001294332.2); c.881A>T, p.Gln294Leu (NM_001330758.2); short protein forms Q246L, Q294L.
Identifiers: ClinVar variation 3793538 (VCV003793538.2).